The following is an entry in ClinVar:

ClinVar aggregate classification (germline): Uncertain significance (1 of 4 stars; one submission).

gnomAD v4.1: 3 of 1,546,532 alleles (0.00019%); highest among the groups gnomAD compares: South Asian, 0.0036%; no homozygotes.

Submission:

Mayo Clinic Laboratories, Mayo Clinic
Classification: Uncertain significance. Last evaluated: 2025-02-17. Review status: criteria provided, single submitter. Criteria: ACMG Guidelines, 2015. Collection method: clinical testing. Allele origin: germline. Observed: 1 variant allele.
Comment: BP4_moderate, PM2_supporting

NM_018713.3(SLC30A10):c.476C>A (p.Ala159Glu)

Gene: SLC30A10 (solute carrier family 30 member 10; minus strand). Cytogenetic location: 1q41.
Variant type: single nucleotide variant.
Coding change: c.476C>A on transcript NM_018713.3 (MANE Select); coding-DNA position 476, C replaced by A.
Protein change: p.Ala159Glu; replaces alanine 159 with glutamic acid.
Molecular consequence: missense variant. On other transcripts: 5 prime UTR variant (1), intron variant (1).
Genome position (GRCh38, 1-based): chr1:219,927,965, G>T on the plus strand (C>A on the coding strand, the complement: SLC30A10 is on the minus strand). VCF-style: chr1-219927965-G-T. GRCh37 (hg19) VCF-style: chr1-220101307-G-T.
Other names: p.Ala159Glu; c.-238C>A (NM_001416005.1); c.452-860C>A (NM_001376929.1); short protein forms A159E.
Identifiers: ClinVar variation 4542223 (VCV004542223.1).